The following is an entry in ClinVar:

NM_000256.3(MYBPC3):c.3814G>C (p.Val1272Leu)

Gene: MYBPC3 (myosin binding protein C3; minus strand). Cytogenetic location: 11p11.2.
Variant type: single nucleotide variant.
Coding change: c.3814G>C on transcript NM_000256.3 (MANE Select); coding-DNA position 3814, G replaced by C.
Protein change: p.Val1272Leu; replaces valine 1272 with leucine.
Molecular consequence: missense variant.
Genome position (GRCh38, 1-based): chr11:47,332,072, C>G on the plus strand (G>C on the coding strand, the complement: MYBPC3 is on the minus strand). VCF-style: chr11-47332072-C-G. GRCh37 (hg19) VCF-style: chr11-47353623-C-G.
Other names: short protein forms V1272L.
Identifiers: ClinVar variation 1063945 (VCV001063945.7), dbSNP rs730880609, ClinGen allele CA380309540.

ClinVar aggregate classification (germline): Uncertain significance (1 of 4 stars; one submission).

Conditions:
Hypertrophic cardiomyopathy. Also called: HYPERTROPHIC MYOCARDIOPATHY. Identifiers: Orphanet 217569, MedGen C0007194, MeSH D002312, MONDO:0005045, HP:0001639.

Submission:

Labcorp Genetics (formerly Invitae), Labcorp
Classification: Uncertain significance for Hypertrophic cardiomyopathy. Last evaluated: 2025-09-19. Review status: criteria provided, single submitter. Criteria: Invitae Variant Classification Sherloc (09022015). Collection method: clinical testing. Allele origin: germline.
Comment: This sequence change replaces valine, which is neutral and non-polar, with leucine, which is neutral and non-polar, at codon 1272 of the MYBPC3 protein (p.Val1272Leu). This variant also falls at the last nucleotide of exon 33, which is part of the consensus splice site for this exon. This variant is not present in population databases (gnomAD no frequency). This variant has not been reported in the literature in individuals affected with MYBPC3-related conditions. ClinVar contains an entry for this variant (Variation ID: 1063945). An algorithm developed to predict the effect of missense changes on protein structure and function (PolyPhen-2) suggests that this variant is likely to be tolerated. Variants that disrupt the consensus splice site are a relatively common cause of aberrant splicing (PMID: 17576681, 9536098). Algorithms developed to predict the effect of sequence changes on RNA splicing suggest that this variant may disrupt the consensus splice site. In summary, the available evidence is currently insufficient to determine the role of this variant in disease. Therefore, it has been classified as a Variant of Uncertain Significance.

Literature cited by the submitters: PubMed 17576681; PubMed 9536098.